The following is an entry in ClinVar:

NM_000548.5(TSC2):c.3505G>A (p.Ala1169Thr)

Gene: TSC2 (TSC complex subunit 2; plus strand). Cytogenetic location: 16p13.3.
Variant type: single nucleotide variant.
Coding change: c.3505G>A on transcript NM_000548.5 (MANE Select); coding-DNA position 3505, G replaced by A.
Protein change: p.Ala1169Thr; replaces alanine 1169 with threonine.
Molecular consequence: missense variant.
Genome position (GRCh38, 1-based): chr16:2,080,272, G>A. VCF-style: chr16-2080272-G-A. GRCh37 (hg19) VCF-style: chr16-2130273-G-A.
Other names: c.3373G>A, p.Ala1125Thr (NM_001077183.3, NM_001370404.1); c.3505G>A, p.Ala1169Thr (NM_001114382.3); c.3265G>A, p.Ala1089Thr (NM_001318827.2); c.3229G>A, p.Ala1077Thr (NM_001318829.2); c.2773G>A, p.Ala925Thr (NM_001318831.2); c.3406G>A, p.Ala1136Thr (NM_001318832.2); c.3376G>A, p.Ala1126Thr (NM_001363528.2, NM_001370405.1, NM_021055.3); short protein forms A1077T, A1125T, A1136T, A1089T, A1169T, A1126T, A925T.
Identifiers: ClinVar variation 823861 (VCV000823861.19), dbSNP rs773900333, ClinGen allele CA047242.

ClinVar aggregate classification (germline): Conflicting classifications of pathogenicity. Review status: criteria provided, conflicting classifications (1 of 4 stars). 5 submissions from 5 submitters: Uncertain significance (4); Benign (1). Last evaluated 2025-02-17.

Conditions:
Tuberous sclerosis 2 (TSC2). Identifiers: Orphanet 805, MedGen C1860707, MONDO:0013199, OMIM 613254.
Hereditary cancer-predisposing syndrome. Also called: Neoplastic Syndromes, Hereditary; Hereditary Cancer Syndrome; Hereditary neoplastic syndrome; Tumor predisposition. Identifiers: Orphanet 140162, MedGen C0027672, MeSH D009386, MONDO:0015356.
Tuberous sclerosis syndrome (TSC). Also called: Tuberous Sclerosis Complex; Tuberous sclerosis. Identifiers: Orphanet 805, MedGen C0041341, MONDO:0001734.

Allele frequency attached by ClinVar (database versions not stated): gnomAD exomes below 0.00001; ExAC 0.00001.
gnomAD v4.1: 7 of 1,612,994 alleles (0.00043%); highest among the groups gnomAD compares: East Asian, 0.013%; no homozygotes.

Submissions (5):

Labcorp Genetics (formerly Invitae), Labcorp
Classification: Benign for Tuberous sclerosis 2. Last evaluated: 2025-02-17. Review status: criteria provided, single submitter. Criteria: Invitae Variant Classification Sherloc (09022015). Collection method: clinical testing. Allele origin: germline.

Ambry Genetics
Classification: Uncertain significance for Hereditary cancer-predisposing syndrome. Last evaluated: 2024-10-04. Review status: criteria provided, single submitter. Criteria: Ambry Variant Classification Scheme 2023. Collection method: clinical testing. Allele origin: germline.
Comment: The p.A1169T variant (also known as c.3505G>A), located in coding exon 29 of the TSC2 gene, results from a G to A substitution at nucleotide position 3505. The alanine at codon 1169 is replaced by threonine, an amino acid with similar properties. This amino acid position is not well conserved in available vertebrate species. In addition, this alteration is predicted to be tolerated by in silico analysis. Based on the available evidence, the clinical significance of this variant remains unclear.

All of Us Research Program, National Institutes of Health
Classification: Uncertain significance for Tuberous sclerosis syndrome. Last evaluated: 2024-07-29. Review status: criteria provided, single submitter. Criteria: ACMG Guidelines, 2015. Collection method: clinical testing. Allele origin: germline. Inheritance: Autosomal dominant inheritance. Observed: 2 variant alleles, 2 heterozygotes.
Comment: This missense variant replaces alanine with threonine at codon 1169 of the TSC2 protein. Computational prediction suggests that this variant may not impact protein structure and function (internally defined REVEL score threshold <= 0.5, PMID: 27666373). To our knowledge, functional studies have not been reported for this variant. This variant has not been reported in individuals affected with TSC2-related disorders in the literature. This variant has been identified in 1/250204 chromosomes in the general population by the Genome Aggregation Database (gnomAD). The available evidence is insufficient to determine the role of this variant in disease conclusively. Therefore, this variant is classified as a Variant of Uncertain Significance.

This study involves interpretation of variants in research participants for the purpose of population health screening. Participant phenotype was not available at the time of variant classification. Additional details can be found in publication PMID: 35346344, PMCID: PMC8962531

GeneDx
Classification: Uncertain significance. Last evaluated: 2023-05-03. Review status: criteria provided, single submitter. Criteria: GeneDx Variant Classification Process June 2021. Collection method: clinical testing. Allele origin: germline. Affected: yes.
Comment: In silico analysis supports that this missense variant does not alter protein structure/function; Has not been previously published as pathogenic or benign to our knowledge

Genome-Nilou Lab
Classification: Uncertain significance for Tuberous sclerosis 2. Last evaluated: 2021-11-07. Review status: criteria provided, single submitter. Criteria: ACMG Guidelines, 2015. Collection method: clinical testing. Allele origin: germline. Affected: no.